The following is an entry in ClinVar:

NM_001127208.3(TET2):c.1664C>T (p.Pro555Leu)

Genes: TET2 (tet methylcytosine dioxygenase 2; plus strand), TET2-AS1 (TET2 antisense RNA 1; minus strand). Cytogenetic location: 4q24.
Variant type: single nucleotide variant.
Coding change: c.1664C>T on transcript NM_001127208.3 (MANE Select); coding-DNA position 1664, C replaced by T.
Protein change: p.Pro555Leu; replaces proline 555 with leucine.
Molecular consequence: missense variant.
Genome position (GRCh38, 1-based): chr4:105,235,606, C>T. VCF-style: chr4-105235606-C-T. GRCh37 (hg19) VCF-style: chr4-106156763-C-T.
Other names: c.1664C>T, p.Pro555Leu (NM_017628.4); short protein forms P555L.
Identifiers: ClinVar variation 4182985 (VCV004182985.1).
Genomic context (GRCh38, chr4:105,235,606, plus strand): 5'-ACAAAGAGCAAGAGATTCTGAAGGGTCGAGACAAGGAGCAAACACGAGATCTTGTGCCCC[C>T]AACACAGCACTATCTGAAACCAGGATGGATTGAATTGAAGGCCCCTCGTTTTCACCAAGC-3'
Protein context (NP_001120680.1, residues 545-565): DKEQTRDLVP[Pro555Leu]TQHYLKPGWI

ClinVar aggregate classification (germline): Uncertain significance (1 of 4 stars; one submission).

gnomAD v4.1: 2 of 1,614,164 alleles (0.00012%); highest among the groups gnomAD compares: East Asian, 0.0045%; no homozygotes.

Submission:

Ambry Genetics
Classification: Uncertain significance. Last evaluated: 2025-07-22. Review status: criteria provided, single submitter. Criteria: Ambry Variant Classification Scheme 2023. Collection method: clinical testing. Allele origin: germline.
Comment: The p.P555L variant (also known as c.1664C>T), located in coding exon 1 of the TET2 gene, results from a C to T substitution at nucleotide position 1664. The proline at codon 555 is replaced by leucine, an amino acid with similar properties. This amino acid position is conserved. In addition, this alteration is predicted to be tolerated by in silico analysis. Based on the available evidence, the clinical significance of this variant remains unclear.